The following is an entry in ClinVar:

NM_005121.3(MED13):c.4101A>C (p.Arg1367Ser)

Gene: MED13 (mediator complex subunit 13; minus strand). Cytogenetic location: 17q23.2.
Variant type: single nucleotide variant.
Coding change: c.4101A>C on transcript NM_005121.3 (MANE Select); coding-DNA position 4101, A replaced by C.
Protein change: p.Arg1367Ser; replaces arginine 1367 with serine.
Molecular consequence: missense variant.
Genome position (GRCh38, 1-based): chr17:61,968,125, T>G on the plus strand (A>C on the coding strand, the complement: MED13 is on the minus strand). VCF-style: chr17-61968125-T-G. GRCh37 (hg19) VCF-style: chr17-60045486-T-G.
Other names: short protein forms R1367S.
Identifiers: ClinVar variation 3360514 (VCV003360514.1).

ClinVar aggregate classification (germline): Uncertain significance (1 of 4 stars; one submission).

Submission:

GeneDx
Classification: Uncertain significance. Last evaluated: 2023-06-30. Review status: criteria provided, single submitter. Criteria: GeneDx Variant Classification Process June 2021. Collection method: clinical testing. Allele origin: germline. Affected: yes.
Comment: Not observed at significant frequency in large population cohorts (gnomAD); In silico analysis supports that this missense variant has a deleterious effect on protein structure/function; Has not been previously published as pathogenic or benign to our knowledge